The following is an entry in ClinVar:

NM_014712.3(SETD1A):c.3016+3G>A

Gene: SETD1A (SET domain containing 1A, histone lysine methyltransferase; plus strand). Cytogenetic location: 16p11.2.
Variant type: single nucleotide variant.
Coding change: c.3016+3G>A on transcript NM_014712.3 (MANE Select); 3 bases into the intron after coding-DNA position 3016, G replaced by A.
Molecular consequence: intron variant.
Genome position (GRCh38, 1-based): chr16:30,969,692, G>A. VCF-style: chr16-30969692-G-A. GRCh37 (hg19) VCF-style: chr16-30981013-G-A.
Identifiers: ClinVar variation 4883281 (VCV004883281.2).

ClinVar aggregate classification (germline): Uncertain significance (1 of 4 stars; one submission).

gnomAD v4.1: 7 of 1,612,684 alleles (0.00043%); highest among the groups gnomAD compares: Admixed American, 0.0017%; no homozygotes.

Submission:

Dasa
Classification: Uncertain significance. Last evaluated: 2025-04-13. Review status: criteria provided, single submitter. Criteria: DASA Assertion Criteria. Collection method: clinical testing. Allele origin: germline.
Comment: NM_014712.3(SETD1A):c.3016+3G>A is a splice-region variant. This variant is rare in population databases. Computational prediction algorithms are consistent with a benign effect. The currently available literature and clinical evidence are not sufficient to establish a definitive association between this variant and the reported condition. Therefore, this variant is classified as a variant of uncertain significance.